The following is an entry in ClinVar:

NM_016292.3(TRAP1):c.1233C>T (p.Ile411=)

Gene: TRAP1 (TNF receptor associated protein 1; minus strand). Cytogenetic location: 16p13.3.
Variant type: single nucleotide variant.
Coding change: c.1233C>T on transcript NM_016292.3 (MANE Select); coding-DNA position 1233, C replaced by T.
Protein change: p.Ile411=; no amino-acid change (isoleucine 411 retained).
Molecular consequence: synonymous variant.
Genome position (GRCh38, 1-based): chr16:3,671,724, G>A on the plus strand (C>T on the coding strand, the complement: TRAP1 is on the minus strand). VCF-style: chr16-3671724-G-A. GRCh37 (hg19) VCF-style: chr16-3721725-G-A.
Other names: c.1074C>T, p.Ile358= (NM_001272049.2).
Identifiers: ClinVar variation 3052737 (VCV003052737.2), dbSNP rs373984996, ClinGen allele CA7868214.

ClinVar aggregate classification (germline): Likely benign (0 of 4 stars; one submission).

Conditions:
TRAP1-related disorder. Also called: TRAP1-related condition.

Allele frequency attached by ClinVar (database versions not stated): ExAC 0.00001; gnomAD 0.00001; gnomAD exomes 0.00002; TOPMed 0.00002; ESP Exome Variant Server 0.00008.
gnomAD v4.1: 32 of 1,612,642 alleles (0.002%); highest among the groups gnomAD compares: Non-Finnish European, 0.0026%; no homozygotes.

Submission:

PreventionGenetics, part of Exact Sciences
Classification: Likely benign for TRAP1-related condition. Last evaluated: 2019-08-22. Review status: no assertion criteria provided. Collection method: clinical testing. Allele origin: germline.
Comment: This variant is classified as likely benign based on ACMG/AMP sequence variant interpretation guidelines (Richards et al. 2015 PMID: 25741868, with internal and published modifications).